The following is an entry in ClinVar:

ClinVar aggregate classification (germline): Pathogenic (1 of 4 stars; one submission).

Conditions:
Congenital lactic acidosis, Saguenay-Lac-Saint-Jean type (MC4DN5). Also called: CYTOCHROME c OXIDASE DEFICIENCY, FRENCH CANADIAN TYPE; COX DEFICIENCY, FRENCH CANADIAN TYPE; MITOCHONDRIAL COMPLEX IV DEFICIENCY, NUCLEAR TYPE 5. Identifiers: Orphanet 70472, MedGen C1857355, MONDO:0009069, OMIM 220111.

Submission:

Myriad Genetics, Inc.
Classification: Pathogenic for Congenital lactic acidosis, Saguenay-Lac-Saint-Jean type. Last evaluated: 2025-01-24. Review status: criteria provided, single submitter. Criteria: Myriad Autosomal Dominant, Autosomal Recessive and X-Linked Classification Criteria (2023). Collection method: clinical testing. Allele origin: unknown.
Comment: NM_133259.3(LRPPRC):c.3306dupG(N1103Efs*14) is expected to be pathogenic in the context of Leigh syndrome, French-Canadian type. This variant is predicted to lead to an abnormal or absent protein product due to the creation of a premature termination codon in LRPPRC, a gene where loss-of-function variants are known to be pathogenic. Please note: this variant was assessed in the context of healthy population screening.

NM_133259.4(LRPPRC):c.3306dup (p.Asn1103fs)

Gene: LRPPRC (leucine rich pentatricopeptide repeat containing; minus strand). Cytogenetic location: 2p21.
Variant type: Duplication.
Coding change: c.3306dup on transcript NM_133259.4 (MANE Select); coding-DNA position 3306, one base duplicated (G; older notation c.3306dupG).
Protein change: p.Asn1103fs; shifts the reading frame from asparagine 1103.
Molecular consequence: frameshift variant.
Genome position (GRCh38, 1-based): chr2:43,905,750, C duplicated on the plus strand (G on the coding strand, the reverse complement: LRPPRC is on the minus strand). VCF-style (leftmost placement, unchanged base first): chr2-43905749-T-TC. GRCh37 (hg19) VCF-style: chr2-44132888-T-TC.
Other names: short protein forms N1103fs.
Identifiers: ClinVar variation 5014015 (VCV005014015.1).